The following is an entry in ClinVar:

NM_170707.4(LMNA):c.514-13T>A

Gene: LMNA (lamin A/C; plus strand). Cytogenetic location: 1q22.
Variant type: single nucleotide variant.
Coding change: c.514-13T>A on transcript NM_170707.4 (MANE Select); 13 bases into the intron before coding-DNA position 514, T replaced by A.
Molecular consequence: intron variant.
Genome position (GRCh38, 1-based): chr1:156,134,390, T>A. VCF-style: chr1-156134390-T-A. GRCh37 (hg19) VCF-style: chr1-156104181-T-A.
Other names: c.514-13T>A (NM_001406983.1, NM_001282625.2, NM_001406984.1 and 6 more transcripts); c.-45-13T>A (NM_001407002.1, NM_001406993.1, NM_001407003.1 and 4 more transcripts); c.-151-13T>A (NM_001406999.1, NM_001407000.1, NM_001406994.1 and 1 more transcripts); c.271-13T>A (NM_001406986.1, NM_001406987.1, NM_001282624.2); c.178-13T>A (NM_001406989.1, NM_001257374.3, NM_001406998.1); c.217-13T>A (NM_001406988.1).
Identifiers: ClinVar variation 4820551 (VCV004820551.1).
Genomic context (GRCh38, chr1:156,134,390, plus strand): 5'-CCCACCTCTCAGCTTCCTTCCAGTTCTTGTGTTCTGTGACCCCTTTTCCTCATCTCTGCC[T>A]GCTTCCTCACAGCTTGAGGCAGCCCTAGGTGAGGCCAAGAAGCAACTTCAGGATGAGATG-3'

ClinVar aggregate classification (germline): Pathogenic (1 of 4 stars; one submission).

Conditions:
Cardiovascular phenotype. Identifiers: MedGen CN230736.

Submission:

Molecular Diagnostic Laboratory for Inherited Cardiovascular Disease, Montreal Heart Institute
Classification: Pathogenic for Cardiovascular phenotype. Last evaluated: 2026-03-10. Review status: criteria provided, single submitter. Criteria: ACMG Guidelines, 2015. Collection method: clinical testing. Allele origin: germline. Affected: yes.
Comment: PVS1, PM2, PP1